The following is an entry in ClinVar:

ClinVar aggregate classification (germline): Uncertain significance (1 of 4 stars; one submission).

gnomAD v4.1: 15 of 1,614,018 alleles (0.00093%); highest among the groups gnomAD compares: Admixed American, 0.0017%; no homozygotes.

Submission:

Labcorp Genetics (formerly Invitae), Labcorp
Classification: Uncertain significance. Last evaluated: 2022-03-04. Review status: criteria provided, single submitter. Criteria: Invitae Variant Classification Sherloc (09022015). Collection method: clinical testing. Allele origin: germline.
Comment: In summary, the available evidence is currently insufficient to determine the role of this variant in disease. Therefore, it has been classified as a Variant of Uncertain Significance. Algorithms developed to predict the effect of missense changes on protein structure and function output the following: SIFT: "Tolerated"; PolyPhen-2: "Benign"; Align-GVGD: "Class C0". The alanine amino acid residue is found in multiple mammalian species, which suggests that this missense change does not adversely affect protein function. This variant has not been reported in the literature in individuals affected with IMPG2-related conditions. This variant is present in population databases (no rsID available, gnomAD 0.003%). This sequence change replaces valine, which is neutral and non-polar, with alanine, which is neutral and non-polar, at codon 971 of the IMPG2 protein (p.Val971Ala).

NM_016247.4(IMPG2):c.2912T>C (p.Val971Ala)

Gene: IMPG2 (interphotoreceptor matrix proteoglycan 2; minus strand). Cytogenetic location: 3q12.3.
Variant type: single nucleotide variant.
Coding change: c.2912T>C on transcript NM_016247.4 (MANE Select); coding-DNA position 2912, T replaced by C.
Protein change: p.Val971Ala; replaces valine 971 with alanine.
Molecular consequence: missense variant.
Genome position (GRCh38, 1-based): chr3:101,242,798, A>G on the plus strand (T>C on the coding strand, the complement: IMPG2 is on the minus strand). VCF-style: chr3-101242798-A-G. GRCh37 (hg19) VCF-style: chr3-100961642-A-G.
Other names: short protein forms V971A.
Identifiers: ClinVar variation 2115089 (VCV002115089.4), dbSNP rs929009017, ClinGen allele CA353853592.